The following is an entry in ClinVar:

NM_015102.5(NPHP4):c.4023C>T (p.Gly1341=)

Gene: NPHP4 (nephrocystin 4; minus strand). Cytogenetic location: 1p36.31.
Variant type: single nucleotide variant.
Coding change: c.4023C>T on transcript NM_015102.5 (MANE Select); coding-DNA position 4023, C replaced by T.
Protein change: p.Gly1341=; no amino-acid change (glycine 1341 retained).
Molecular consequence: synonymous variant. On other transcripts: non-coding transcript variant (1).
Genome position (GRCh38, 1-based): chr1:5,864,007, G>A on the plus strand (C>T on the coding strand, the complement: NPHP4 is on the minus strand). VCF-style: chr1-5864007-G-A. GRCh37 (hg19) VCF-style: chr1-5924067-G-A.
Other names: c.4023C>T (NM_015102.4); c.2484C>T, p.Gly828= (NM_001291593.2); c.2487C>T, p.Gly829= (NM_001291594.2).
Identifiers: ClinVar variation 1013842 (VCV001013842.11), dbSNP rs774866535, ClinGen allele CA553374.
Genomic context (GRCh38, chr1:5,864,007, plus strand): 5'-TGTCCTCCGGGAGGGGTAGGGGTTGGTGTAGGTGATCCTCTTGTTGACACCCTTCCCTTC[G>A]CCCGCAGCCAACATGATCTCAAAGGCCTGTGGAGGGAGGGGACAGGGAGACGCTGCGGCC-3'
Protein context (NP_055917.1, residues 1331-1351): SKAFEIMLAA[Gly1341=]EGKGVNKRIT

ClinVar aggregate classification (germline): Likely benign. Review status: criteria provided, multiple submitters, no conflicts (2 of 4 stars). 3 submissions from 3 submitters: Likely benign (2). 1 of the submissions does not count toward it. Last evaluated 2026-01-26.

Conditions:
Nephronophthisis. Also called: Juvenile Nephronophthisis. Identifiers: Orphanet 655, MedGen C0687120, MONDO:0019005, HP:0000090.
NPHP4-related disorder. Also called: NPHP4-related disorders; NPHP4-related condition. Identifiers: MedGen CN239384.

Allele frequency attached by ClinVar (database versions not stated): gnomAD 0.00001; gnomAD exomes 0.00001; ExAC 0.00002; TOPMed 0.00002.
gnomAD v4.1: 24 of 1,613,366 alleles (0.0015%); highest among the groups gnomAD compares: Middle Eastern, 0.017%; no homozygotes.

Submissions (3):

Labcorp Genetics (formerly Invitae), Labcorp
Classification: Likely benign for Nephronophthisis. Last evaluated: 2026-01-26. Review status: criteria provided, single submitter. Criteria: Invitae Variant Classification Sherloc (09022015). Collection method: clinical testing. Allele origin: germline.

Blueprint Genetics
Classification: Likely benign. Last evaluated: 2023-09-20. Review status: criteria provided, single submitter. Criteria: ACMG Guidelines, 2015. Collection method: clinical testing. Allele origin: germline.

PreventionGenetics, part of Exact Sciences
Classification: Likely benign for NPHP4-related condition. Last evaluated: 2021-04-01. Review status: no assertion criteria provided. Collection method: clinical testing. Allele origin: germline. Not counted in ClinVar's aggregate classification.
Comment: This variant is classified as likely benign based on ACMG/AMP sequence variant interpretation guidelines (Richards et al. 2015 PMID: 25741868, with internal and published modifications).